The following is an entry in ClinVar:

NM_002775.5(HTRA1):c.547G>A (p.Val183Met)

Gene: HTRA1 (HtrA serine peptidase 1; plus strand). Cytogenetic location: 10q26.13.
Variant type: single nucleotide variant.
Coding change: c.547G>A on transcript NM_002775.5 (MANE Select); coding-DNA position 547, G replaced by A.
Protein change: p.Val183Met; replaces valine 183 with methionine.
Molecular consequence: missense variant.
Genome position (GRCh38, 1-based): chr10:122,488,976, G>A. VCF-style: chr10-122488976-G-A. GRCh37 (hg19) VCF-style: chr10-124248492-G-A.
Other names: short protein forms V183M.
Identifiers: ClinVar variation 1387135 (VCV001387135.7), dbSNP rs1477855514, ClinGen allele CA378580010.
Genomic context (GRCh38, chr10:122,488,976, plus strand): 5'-AACAGTTTGCGCCATAAATATAACTTTATCGCGGACGTGGTGGAGAAGATCGCCCCTGCC[G>A]TGGTTCATATCGAATTGTTTCGCAAGTAAAGAGAGCCTTCCTTTTTCCTATAACCTCCGA-3'
Protein context (NP_002766.1, residues 173-193): ADVVEKIAPA[Val183Met]VHIELFRKLP

ClinVar aggregate classification (germline): Conflicting classifications of pathogenicity. Review status: criteria provided, conflicting classifications (1 of 4 stars). 2 submissions from 2 submitters: Likely pathogenic (1); Uncertain significance (1). Last evaluated 2025-11-24.

Allele frequency attached by ClinVar (database versions not stated): gnomAD exomes below 0.00001; TOPMed below 0.00001; gnomAD 0.00001.
gnomAD v4.1: 6 of 1,613,760 alleles (0.00037%); highest among the groups gnomAD compares: Non-Finnish European, 0.00051%; no homozygotes.

Submissions (2):

Labcorp Genetics (formerly Invitae), Labcorp
Classification: Likely pathogenic. Last evaluated: 2025-11-24. Review status: criteria provided, single submitter. Criteria: Invitae Variant Classification Sherloc (09022015). Collection method: clinical testing. Allele origin: germline.
Comment: This sequence change replaces valine, which is neutral and non-polar, with methionine, which is neutral and non-polar, at codon 183 of the HTRA1 protein (p.Val183Met). This variant is present in population databases (no rsID available, gnomAD 0.002%). This missense change has been observed in individuals with clinical features of cerebral arteriopathy with subcortical infarcts and leukoencephalopathy (internal data). ClinVar contains an entry for this variant (Variation ID: 1387135). Invitae Evidence Modeling of protein sequence and biophysical properties (such as structural, functional, and spatial information, amino acid conservation, physicochemical variation, residue mobility, and thermodynamic stability) indicates that this missense variant is expected to disrupt HTRA1 protein function with a positive predictive value of 95%. Experimental studies have shown that this missense change affects HTRA1 function (PMID: 9196222). In summary, the currently available evidence indicates that the variant is pathogenic, but additional data are needed to prove that conclusively. Therefore, this variant has been classified as Likely Pathogenic.

Blueprint Genetics
Classification: Uncertain significance. Last evaluated: 2024-09-03. Review status: criteria provided, single submitter. Criteria: ACMG Guidelines, 2015. Collection method: clinical testing. Allele origin: germline.

Literature cited by the submitters: PubMed 9196222 (cited by Labcorp Genetics (formerly Invitae), Labcorp).